The following is an entry in ClinVar:

ClinVar aggregate classification (germline): Uncertain significance. Review status: criteria provided, multiple submitters, no conflicts (2 of 4 stars). 2 submissions from 2 submitters: Uncertain significance (2). Last evaluated 2024-09-03.

Conditions:
Inborn genetic diseases. Identifiers: MedGen C0950123, MeSH D030342.
Glycogen storage disease IXb (GSD9B). Also called: PHOSPHORYLASE KINASE DEFICIENCY OF LIVER AND MUSCLE, AUTOSOMAL RECESSIVE; GLYCOGENOSIS OF LIVER AND MUSCLE, AUTOSOMAL RECESSIVE; GSD IXb. Identifiers: Orphanet 79240, MedGen C0543514, MONDO:0009868, OMIM 261750.

Allele frequency attached by ClinVar (database versions not stated): gnomAD exomes below 0.00001; ExAC 0.00001; gnomAD 0.00001; TOPMed 0.00001.
gnomAD v4.1: 8 of 1,611,208 alleles (0.0005%); highest among the groups gnomAD compares: Non-Finnish European, 0.00068%; no homozygotes.

Submissions (2):

Ambry Genetics
Classification: Uncertain significance for Inborn genetic diseases. Last evaluated: 2024-09-03. Review status: criteria provided, single submitter. Criteria: Ambry Variant Classification Scheme 2023. Collection method: clinical testing. Allele origin: germline.

Labcorp Genetics (formerly Invitae), Labcorp
Classification: Uncertain significance for Glycogen storage disease IXb. Last evaluated: 2022-02-11. Review status: criteria provided, single submitter. Criteria: Invitae Variant Classification Sherloc (09022015). Collection method: clinical testing. Allele origin: germline.
Comment: This sequence change replaces leucine, which is neutral and non-polar, with serine, which is neutral and polar, at codon 539 of the PHKB protein (p.Leu539Ser). This variant is present in population databases (rs765796760, gnomAD 0.002%). This variant has not been reported in the literature in individuals affected with PHKB-related conditions. Algorithms developed to predict the effect of missense changes on protein structure and function (SIFT, PolyPhen-2, Align-GVGD) all suggest that this variant is likely to be tolerated. In summary, the available evidence is currently insufficient to determine the role of this variant in disease. Therefore, it has been classified as a Variant of Uncertain Significance.

NM_000293.3(PHKB):c.1616T>C (p.Leu539Ser)

Gene: PHKB (phosphorylase kinase regulatory subunit beta; plus strand). Cytogenetic location: 16q12.1.
Variant type: single nucleotide variant.
Coding change: c.1616T>C on transcript NM_000293.3 (MANE Select); coding-DNA position 1616, T replaced by C.
Protein change: p.Leu539Ser; replaces leucine 539 with serine.
Molecular consequence: missense variant.
Genome position (GRCh38, 1-based): chr16:47,648,540, T>C. VCF-style: chr16-47648540-T-C. GRCh37 (hg19) VCF-style: chr16-47682451-T-C.
Other names: c.1595T>C, p.Leu532Ser (NM_001031835.3); c.1616T>C, p.Leu539Ser (NM_001363837.1); c.1616T>C (NM_000293.2); short protein forms L532S, L539S.
Identifiers: ClinVar variation 1948822 (VCV001948822.3), dbSNP rs765796760, ClinGen allele CA8040910.